The following is an entry in ClinVar:

ClinVar aggregate classification (germline): Uncertain significance. Review status: criteria provided, multiple submitters, no conflicts (2 of 4 stars). 2 submissions from 2 submitters: Uncertain significance (2). Last evaluated 2024-01-16.

Conditions:
Immunodeficiency-centromeric instability-facial anomalies syndrome 2 (ICF2). Identifiers: Orphanet 2268, MedGen C3279748, MONDO:0013553, OMIM 614069.
Inborn genetic diseases. Identifiers: MedGen C0950123, MeSH D030342.

Allele frequency attached by ClinVar (database versions not stated): ExAC 0.00002; gnomAD exomes 0.00002; gnomAD 0.00007; ESP Exome Variant Server 0.00008; TOPMed 0.00013.

Submissions (2):

Ambry Genetics
Classification: Uncertain significance for Inborn genetic diseases. Last evaluated: 2024-01-16. Review status: criteria provided, single submitter. Criteria: Ambry Variant Classification Scheme 2023. Collection method: clinical testing. Allele origin: germline.

Labcorp Genetics (formerly Invitae), Labcorp
Classification: Uncertain significance for Immunodeficiency-centromeric instability-facial anomalies syndrome 2. Last evaluated: 2022-08-19. Review status: criteria provided, single submitter. Criteria: Invitae Variant Classification Sherloc (09022015). Collection method: clinical testing. Allele origin: germline.
Comment: This sequence change replaces lysine, which is basic and polar, with arginine, which is basic and polar, at codon 385 of the ZBTB24 protein (p.Lys385Arg). This variant is present in population databases (rs371071024, gnomAD 0.008%). This variant has not been reported in the literature in individuals affected with ZBTB24-related conditions. ClinVar contains an entry for this variant (Variation ID: 539530). Algorithms developed to predict the effect of missense changes on protein structure and function are either unavailable or do not agree on the potential impact of this missense change (SIFT: "Not Available"; PolyPhen-2: "Probably Damaging"; Align-GVGD: "Not Available"). In summary, the available evidence is currently insufficient to determine the role of this variant in disease. Therefore, it has been classified as a Variant of Uncertain Significance.

NM_014797.3(ZBTB24):c.1154A>G (p.Lys385Arg)

Gene: ZBTB24 (zinc finger and BTB domain containing 24; minus strand). Cytogenetic location: 6q21.
Variant type: single nucleotide variant.
Coding change: c.1154A>G on transcript NM_014797.3 (MANE Select); coding-DNA position 1154, A replaced by G.
Protein change: p.Lys385Arg; replaces lysine 385 with arginine.
Molecular consequence: missense variant.
Genome position (GRCh38, 1-based): chr6:109,476,225, T>C on the plus strand (A>G on the coding strand, the complement: ZBTB24 is on the minus strand). VCF-style: chr6-109476225-T-C. GRCh37 (hg19) VCF-style: chr6-109797428-T-C.
Other names: short protein forms K385R.
Identifiers: ClinVar variation 539530 (VCV000539530.4), dbSNP rs371071024, ClinGen allele CA3954166.